The following is an entry in ClinVar:

ClinVar aggregate classification (germline): Uncertain significance (1 of 4 stars; one submission).

Conditions:
Catecholaminergic polymorphic ventricular tachycardia (CVPT). Also called: Catecholamine-induced polymorphic ventricular tachycardia. Identifiers: Orphanet 3286, MedGen C5574922, MONDO:0017990.

gnomAD v4.1: 1 of 1,609,228 alleles (0.000062%); highest among the groups gnomAD compares: Non-Finnish European, 0.000085%; no homozygotes.

Submission:

All of Us Research Program, National Institutes of Health
Classification: Uncertain significance for Catecholaminergic polymorphic ventricular tachycardia. Last evaluated: 2024-09-23. Review status: criteria provided, single submitter. Criteria: ACMG Guidelines, 2015. Collection method: clinical testing. Allele origin: germline. Inheritance: Autosomal dominant inheritance. Observed: 1 variant allele, 1 heterozygote.
Comment: This study involves interpretation of variants in research participants for the purpose of population health screening. Participant phenotype was not available at the time of variant classification. Additional details can be found in publication PMID: 35346344, PMCID: PMC8962531

NM_001035.3(RYR2):c.10882T>G (p.Trp3628Gly)

Gene: RYR2 (ryanodine receptor 2; plus strand). Cytogenetic location: 1q43.
Variant type: single nucleotide variant.
Coding change: c.10882T>G on transcript NM_001035.3 (MANE Select); coding-DNA position 10882, T replaced by G.
Protein change: p.Trp3628Gly; replaces tryptophan 3628 with glycine.
Molecular consequence: missense variant.
Genome position (GRCh38, 1-based): chr1:237,730,303, T>G. VCF-style: chr1-237730303-T-G. GRCh37 (hg19) VCF-style: chr1-237893603-T-G.
Other names: short protein forms W3628G.
Identifiers: ClinVar variation 3385833 (VCV003385833.1).